The following is an entry in ClinVar:

ClinVar aggregate classification (germline): Uncertain significance (1 of 4 stars; one submission).

Conditions:
Gorlin syndrome. Also called: Nevoid Basal Cell Carcinoma Syndrome; Basal cell nevus syndrome. Identifiers: Orphanet 377, MedGen C0004779, MONDO:0007187.

Submission:

Labcorp Genetics (formerly Invitae), Labcorp
Classification: Uncertain significance for Gorlin syndrome. Last evaluated: 2023-06-05. Review status: criteria provided, single submitter. Criteria: Invitae Variant Classification Sherloc (09022015). Collection method: clinical testing. Allele origin: germline.
Comment: In summary, the available evidence is currently insufficient to determine the role of this variant in disease. Therefore, it has been classified as a Variant of Uncertain Significance. Advanced modeling of protein sequence and biophysical properties (such as structural, functional, and spatial information, amino acid conservation, physicochemical variation, residue mobility, and thermodynamic stability) performed at Invitae indicates that this missense variant is not expected to disrupt PTCH1 protein function. ClinVar contains an entry for this variant (Variation ID: 565898). This variant has not been reported in the literature in individuals affected with PTCH1-related conditions. This variant is not present in population databases (gnomAD no frequency). This sequence change replaces phenylalanine, which is neutral and non-polar, with isoleucine, which is neutral and non-polar, at codon 1046 of the PTCH1 protein (p.Phe1046Ile).

NM_000264.5(PTCH1):c.3136T>A (p.Phe1046Ile)

Gene: PTCH1 (patched 1; minus strand). Cytogenetic location: 9q22.32.
Variant type: single nucleotide variant.
Coding change: c.3136T>A on transcript NM_000264.5 (MANE Select); coding-DNA position 3136, T replaced by A.
Protein change: p.Phe1046Ile; replaces phenylalanine 1046 with isoleucine.
Molecular consequence: missense variant. On other transcripts: non-coding transcript variant (1).
Genome position (GRCh38, 1-based): chr9:95,458,045, A>T on the plus strand (T>A on the coding strand, the complement: PTCH1 is on the minus strand). VCF-style: chr9-95458045-A-T. GRCh37 (hg19) VCF-style: chr9-98220327-A-T.
Other names: c.2938T>A, p.Phe980Ile (NM_001083602.3); c.3133T>A, p.Phe1045Ile (NM_001083603.3); c.2683T>A, p.Phe895Ile (NM_001083604.3, NM_001083605.3, NM_001083606.3 and 1 more transcripts); c.2980T>A, p.Phe994Ile (NM_001354918.2); short protein forms F1046I, F980I, F1045I, F895I, F994I.
Identifiers: ClinVar variation 565898 (VCV000565898.9), dbSNP rs1564019097, ClinGen allele CA374112315.
Genomic context (GRCh38, chr9:95,458,045, plus strand): 5'-TCCACAAAGCCCCTTATAATACACTCACAATGATCCCGGCCGTCCAGGGGTTCAGAAGGA[A>T]GACAGCGCACACGAGGAATGTGCAGGCCAACACCACGCTGATGAACAGCAGCAGCCAGTG-3'
Protein context (NP_000255.2, residues 1036-1056): LACTFLVCAV[Phe1046Ile]LLNPWTAGII